The following is an entry in ClinVar:

ClinVar aggregate classification (germline): Uncertain significance (1 of 4 stars; one submission).

Conditions:
Neuropathy, hereditary motor and sensory, type 6B (HMSN6B). Also called: HMSN VIB; CHARCOT-MARIE-TOOTH DISEASE, TYPE 6B; NEUROPATHY, HEREDITARY MOTOR AND SENSORY, TYPE VIB, WITH OPTIC ATROPHY; Neuropathy, hereditary motor and sensory, type VIB. Identifiers: MedGen C4225302, MONDO:0014671, OMIM 616505.

gnomAD v4.1: 1 of 1,613,684 alleles (0.000062%); highest among the groups gnomAD compares: Middle Eastern, 0.017%; no homozygotes.

Submission:

Labcorp Genetics (formerly Invitae), Labcorp
Classification: Uncertain significance for Neuropathy, hereditary motor and sensory, type 6B. Last evaluated: 2022-07-24. Review status: criteria provided, single submitter. Criteria: Invitae Variant Classification Sherloc (09022015). Collection method: clinical testing. Allele origin: germline.
Comment: In summary, the available evidence is currently insufficient to determine the role of this variant in disease. Therefore, it has been classified as a Variant of Uncertain Significance. Algorithms developed to predict the effect of missense changes on protein structure and function (SIFT, PolyPhen-2, Align-GVGD) all suggest that this variant is likely to be tolerated. ClinVar contains an entry for this variant (Variation ID: 1400444). This variant has not been reported in the literature in individuals affected with SLC25A46-related conditions. This variant is not present in population databases (gnomAD no frequency). This sequence change replaces glutamic acid, which is acidic and polar, with aspartic acid, which is acidic and polar, at codon 301 of the SLC25A46 protein (p.Glu301Asp).

NM_138773.4(SLC25A46):c.903G>C (p.Glu301Asp)

Gene: SLC25A46 (solute carrier family 25 member 46; plus strand). Cytogenetic location: 5q22.1.
Variant type: single nucleotide variant.
Coding change: c.903G>C on transcript NM_138773.4 (MANE Select); coding-DNA position 903, G replaced by C.
Protein change: p.Glu301Asp; replaces glutamic acid 301 with aspartic acid.
Molecular consequence: missense variant. On other transcripts: non-coding transcript variant (1), intron variant (1).
Genome position (GRCh38, 1-based): chr5:110,761,428, G>C. VCF-style: chr5-110761428-G-C. GRCh37 (hg19) VCF-style: chr5-110097128-G-C.
Other names: c.630G>C, p.Glu210Asp (NM_001303250.3); c.679-19G>C (NM_001303249.3); short protein forms E210D, E301D.
Identifiers: ClinVar variation 1400444 (VCV001400444.6), dbSNP rs2150419215, ClinGen allele CA360696441.